The following is an entry in ClinVar:

ClinVar aggregate classification (germline): Uncertain significance (1 of 4 stars; one submission).

Submission:

Women's Health and Genetics/Laboratory Corporation of America, LabCorp
Classification: Uncertain significance. Last evaluated: 2024-10-11. Review status: criteria provided, single submitter. Criteria: LabCorp Variant Classification Summary - May 2015. Collection method: clinical testing. Allele origin: germline.
Comment: Variant summary: SCN11A c.909delG (p.Glu305LysfsX51) results in a premature termination codon, predicted to cause a truncation of the encoded protein or absence of the protein due to nonsense mediated decay, however current evidence is not sufficient to establish loss of function as a mechanism for disease. The variant allele was found at a frequency of 4e-06 in 250690 control chromosomes. The available data on variant occurrences in the general population are insufficient to allow any conclusion about variant significance. To our knowledge, no occurrence of c.909delG in individuals affected with Familial episodic pain syndrome with predominantly lower limb involvement and no experimental evidence demonstrating its impact on protein function have been reported. No submitters have cited clinical-significance assessments for this variant to ClinVar. Based on the evidence outlined above, the variant was classified as uncertain significance.

NM_001349253.2(SCN11A):c.909del (p.Glu305fs)

Gene: SCN11A (sodium voltage-gated channel alpha subunit 11; minus strand). Cytogenetic location: 3p22.2.
Variant type: Deletion.
Coding change: c.909del on transcript NM_001349253.2 (MANE Select); coding-DNA position 909, one base deleted (G; older notation c.909delG).
Protein change: p.Glu305fs; shifts the reading frame from glutamic acid 305.
Molecular consequence: frameshift variant.
Genome position (GRCh38, 1-based): chr3:38,919,985, C deleted on the plus strand (G on the coding strand, the reverse complement: SCN11A is on the minus strand). VCF-style (leftmost placement, unchanged base first): chr3-38919984-TC-T. GRCh37 (hg19) VCF-style: chr3-38961475-TC-T.
Other names: c.909del, p.Glu305fs (NM_014139.3); c.909delG (NM_014139.3); short protein forms E305fs.
Identifiers: ClinVar variation 3384732 (VCV003384732.1).